The following is an entry in ClinVar:

ClinVar aggregate classification (germline): Uncertain significance (1 of 4 stars; one submission).

Submission:

Ambry Genetics
Classification: Uncertain significance. Last evaluated: 2024-06-04. Review status: criteria provided, single submitter. Criteria: Ambry Variant Classification Scheme 2023. Collection method: clinical testing. Allele origin: germline.
Comment: The p.E2563Q variant (also known as c.7687G>C), located in coding exon 30 of the POLQ gene, results from a G to C substitution at nucleotide position 7687. The glutamic acid at codon 2563 is replaced by glutamine, an amino acid with highly similar properties. This amino acid position is conserved. In addition, the in silico prediction for this alteration is inconclusive. Based on the available evidence, the clinical significance of this variant remains unclear.

NM_199420.4(POLQ):c.7687G>C (p.Glu2563Gln)

Gene: POLQ (DNA polymerase theta; minus strand). Cytogenetic location: 3q13.33.
Variant type: single nucleotide variant.
Coding change: c.7687G>C on transcript NM_199420.4 (MANE Select); coding-DNA position 7687, G replaced by C.
Protein change: p.Glu2563Gln; replaces glutamic acid 2563 with glutamine.
Molecular consequence: missense variant.
Genome position (GRCh38, 1-based): chr3:121,432,390, C>G on the plus strand (G>C on the coding strand, the complement: POLQ is on the minus strand). VCF-style: chr3-121432390-C-G. GRCh37 (hg19) VCF-style: chr3-121151237-C-G.
Other names: short protein forms E2563Q.
Identifiers: ClinVar variation 3308712 (VCV003308712.1).